The following is an entry in ClinVar:

ClinVar aggregate classification (germline): Uncertain significance (1 of 4 stars; one submission).

Submission:

Labcorp Genetics (formerly Invitae), Labcorp
Classification: Uncertain significance. Last evaluated: 2025-03-07. Review status: criteria provided, single submitter. Criteria: Invitae Variant Classification Sherloc (09022015). Collection method: clinical testing. Allele origin: germline.
Comment: This sequence change replaces proline, which is neutral and non-polar, with alanine, which is neutral and non-polar, at codon 1118 of the KMT2B protein (p.Pro1118Ala). This variant is not present in population databases (gnomAD no frequency). This variant has not been reported in the literature in individuals affected with KMT2B-related conditions. Invitae Evidence Modeling of protein sequence and biophysical properties (such as structural, functional, and spatial information, amino acid conservation, physicochemical variation, residue mobility, and thermodynamic stability) indicates that this missense variant is not expected to disrupt KMT2B protein function with a negative predictive value of 95%. In summary, the available evidence is currently insufficient to determine the role of this variant in disease. Therefore, it has been classified as a Variant of Uncertain Significance.

NM_014727.3(KMT2B):c.3352C>G (p.Pro1118Ala)

Gene: KMT2B (lysine methyltransferase 2B; plus strand). Cytogenetic location: 19q13.12.
Variant type: single nucleotide variant.
Coding change: c.3352C>G on transcript NM_014727.3 (MANE Select); coding-DNA position 3352, C replaced by G.
Protein change: p.Pro1118Ala; replaces proline 1118 with alanine.
Molecular consequence: missense variant.
Genome position (GRCh38, 1-based): chr19:35,724,654, C>G. VCF-style: chr19-35724654-C-G. GRCh37 (hg19) VCF-style: chr19-36215555-C-G.
Other names: short protein forms P1118A.
Identifiers: ClinVar variation 4767995 (VCV004767995.1).